The following is an entry in ClinVar:

NM_000059.4(BRCA2):c.8331G>A (p.Lys2777=)

Gene: BRCA2 (BRCA2 DNA repair associated; plus strand). Cytogenetic location: 13q13.1.
Variant type: single nucleotide variant.
Coding change: c.8331G>A on transcript NM_000059.4 (MANE Select); coding-DNA position 8331, G replaced by A.
Protein change: p.Lys2777=; no amino-acid change (lysine 2777 retained).
Molecular consequence: synonymous variant.
Genome position (GRCh38, 1-based): chr13:32,363,533, G>A. VCF-style: chr13-32363533-G-A. GRCh37 (hg19) VCF-style: chr13-32937670-G-A.
Other names: 8559G/A.
Identifiers: ClinVar variation 52552 (VCV000052552.8), dbSNP rs80359802, ClinGen allele CA025582.

ClinVar aggregate classification (germline): Conflicting classifications of pathogenicity. Review status: criteria provided, conflicting classifications (1 of 4 stars). 4 submissions from 4 submitters: Likely pathogenic (1); Uncertain significance (2). 1 of the submissions does not count toward it. Last evaluated 2025-06-16.

Conditions:
Hereditary cancer-predisposing syndrome. Also called: Neoplastic Syndromes, Hereditary; Tumor predisposition; Hereditary neoplastic syndrome; Hereditary Cancer Syndrome. Identifiers: Orphanet 140162, MedGen C0027672, MeSH D009386, MONDO:0015356.
Hereditary breast ovarian cancer syndrome. Also called: Hereditary breast and ovarian cancer syndrome; Hereditary breast and ovarian cancer; Hereditary breast and ovarian cancer syndrome (HBOC); Breast and ovarian cancer; Hereditary breast and/or ovarian cancer syndrome; BRCA1- and BRCA2-Associated Hereditary Breast and Ovarian Cancer. Identifiers: Orphanet 145, MedGen C0677776, MeSH D061325, MONDO:0003582. Disease mechanism: loss of function.
BRCA2-related cancer predisposition. Identifiers: MedGen CN377758, MONDO:0700269.
Breast-ovarian cancer, familial, susceptibility to, 2 (BROVCA2). Also called: BRCA2 Hereditary Breast and Ovarian Cancer. Identifiers: Orphanet 145, MedGen C2675520, MONDO:0012933, OMIM 612555. Disease mechanism: loss of function.

Submissions (4):

Ambry Genetics
Classification: Uncertain significance for Hereditary cancer-predisposing syndrome. Last evaluated: 2025-06-16. Review status: criteria provided, single submitter. Criteria: Ambry Variant Classification Scheme 2023. Collection method: clinical testing. Allele origin: germline.
Comment: The c.8331G>A variant (also known as p.K2777K) is located in coding exon 17 of the BRCA2 gene. This variant results from a G to A substitution at nucleotide position 8331. This nucleotide substitution does not change the lysine at codon 2777. However, this change occurs in the last base pair of coding exon 17, which makes it likely to have some effect on normal mRNA splicing. The results from two saturation genome editing-based studies, including a haploid cell-survival assay and a humanized mouse embryonic stem cell line assay of drug response and survival, are indeterminate for this nucleotide substitution (Huang H et al. Nature. 2025 Feb;638(8050):528-537; Sahu S et al. Nature. 2025 Feb;638(8050):538-545). This nucleotide position is highly conserved in available vertebrate species. In silico splice site analysis predicts that this alteration will weaken the native splice donor site. RNA studies have demonstrated that this alteration results in an incomplete splice defect; the clinical impact of this abnormal splicing is unknown at this time (Sanz DJ et al. Clin Cancer Res, 2010 Mar;16:1957-67; Fraile-Bethencourt E et al. PLoS Genet, 2017 Mar;13:e1006691; Ambry internal data). Based on the available evidence, the clinical significance of this variant remains unclear.

Labcorp Genetics (formerly Invitae), Labcorp
Classification: Uncertain significance for Hereditary breast ovarian cancer syndrome. Last evaluated: 2025-05-14. Review status: criteria provided, single submitter. Criteria: Invitae Variant Classification Sherloc (09022015). Collection method: clinical testing. Allele origin: germline.
Comment: This sequence change affects codon 2777 of the BRCA2 mRNA. It is a 'silent' change, meaning that it does not change the encoded amino acid sequence of the BRCA2 protein. This variant also falls at the last nucleotide of exon 18, which is part of the consensus splice site for this exon. This variant is not present in population databases (gnomAD no frequency). This variant has not been reported in the literature in individuals affected with BRCA2-related conditions. ClinVar contains an entry for this variant (Variation ID: 52552). Variants that disrupt the consensus splice site are a relatively common cause of aberrant splicing (PMID: 17576681, 9536098). Studies have shown that this variant alters mRNA splicing and is expected to lead to the loss of protein expression (PMID: 20215541, 28339459; internal data). In summary, the available evidence is currently insufficient to determine the role of this variant in disease. Therefore, it has been classified as a Variant of Uncertain Significance.

Department of Pathology and Laboratory Medicine, Sinai Health System
Classification: Likely pathogenic for BRCA2-related cancer predisposition. Last evaluated: 2020-01-06. Review status: criteria provided, single submitter. Criteria: ACMG Guidelines, 2015. Collection method: clinical testing. Allele origin: germline.

Breast Cancer Information Core (BIC) (BRCA2)
Classification: Uncertain significance for Breast-ovarian cancer, familial 2. Last evaluated: 1997-11-13. Review status: no assertion criteria provided. Collection method: clinical testing. Allele origin: germline. Affected: yes. Observed: 1 variant allele. Not counted in ClinVar's aggregate classification.

Literature cited by the submitters: PubMed 20215541 (cited by 3 submitters); PubMed 27060066 (cited by Ambry Genetics); PubMed 28339459 (cited by 3 submitters); PubMed 39779848 (cited by Ambry Genetics); PubMed 39779857 (cited by Ambry Genetics); PubMed 17576681 (cited by Labcorp Genetics (formerly Invitae), Labcorp); PubMed 9536098 (cited by Labcorp Genetics (formerly Invitae), Labcorp).